The following is an entry in ClinVar:

ClinVar aggregate classification (germline): Benign. Review status: criteria provided, multiple submitters, no conflicts (2 of 4 stars). 2 submissions from 2 submitters: Benign (2). Last evaluated 2018-06-13.

Allele frequency attached by ClinVar (database versions not stated): gnomAD exomes 0.01405; ExAC 0.01634; 1000 Genomes Project 0.02456; 1000 Genomes Project 30x 0.02592; gnomAD 0.02861 and 0.02994; TOPMed 0.02960; ESP Exome Variant Server 0.03136.
gnomAD v4.1: 25,087 of 1,608,802 alleles (1.6%); highest among the groups gnomAD compares: Middle Eastern, 8.5%; 378 homozygotes.

Submissions (2):

GeneDx
Classification: Benign. Last evaluated: 2018-06-13. Review status: criteria provided, single submitter. Criteria: GeneDx Variant Classification (06012015). Collection method: clinical testing. Allele origin: germline. Affected: yes.
Comment: This variant is considered likely benign or benign based on one or more of the following criteria: it is a conservative change, it occurs at a poorly conserved position in the protein, it is predicted to be benign by multiple in silico algorithms, and/or has population frequency not consistent with disease.

Breakthrough Genomics
Classification: Benign. Review status: criteria provided, single submitter. Criteria: ACMG Guidelines, 2015. Collection method: not provided. Allele origin: germline. Inheritance: Autosomal dominant inheritance. Affected: yes.

NM_002473.6(MYH9):c.2038-52C>T

Gene: MYH9 (myosin heavy chain 9; minus strand). Cytogenetic location: 22q12.3.
Variant type: single nucleotide variant.
Coding change: c.2038-52C>T on transcript NM_002473.6 (MANE Select); 52 bases into the intron before coding-DNA position 2038, C replaced by T.
Molecular consequence: intron variant.
Genome position (GRCh38, 1-based): chr22:36,306,103, G>A on the plus strand (C>T on the coding strand, the complement: MYH9 is on the minus strand). VCF-style: chr22-36306103-G-A. GRCh37 (hg19) VCF-style: chr22-36702149-G-A.
Identifiers: ClinVar variation 682631 (VCV000682631.2), dbSNP rs8138016, ClinGen allele CA10210117.
Genomic context (GRCh38, chr22:36,306,103, plus strand): 5'-CTTGCCGGCCTGGAGAAGAAAACACATGCATGCGGTCTCACTTCCGTGCCTAGAACAGTC[G>A]GAGAATAGTCAGGGAACCCCTATGAACCTGACAGGGCAAGAGCCTAAGGGAGGGGGTCGC-3'